The following is an entry in ClinVar:

ClinVar aggregate classification (germline): Uncertain significance (1 of 4 stars; one submission).

Conditions:
Cardiovascular phenotype. Identifiers: MedGen CN230736.

Submission:

Ambry Genetics
Classification: Uncertain significance for Cardiovascular phenotype. Last evaluated: 2025-12-19. Review status: criteria provided, single submitter. Criteria: Ambry Variant Classification Scheme 2023. Collection method: clinical testing. Allele origin: germline.
Comment: The p.D398H variant (also known as c.1192G>C), located in coding exon 11 of the CASQ2 gene, results from a G to C substitution at nucleotide position 1192. The aspartic acid at codon 398 is replaced by histidine, an amino acid with similar properties. This amino acid position is conserved. In addition, this alteration is predicted to be tolerated by in silico analysis. Since supporting evidence is limited at this time, the clinical significance of this alteration remains unclear.

NM_001232.4(CASQ2):c.1192G>C (p.Asp398His)

Gene: CASQ2 (calsequestrin 2; minus strand). Cytogenetic location: 1p13.1.
Variant type: single nucleotide variant.
Coding change: c.1192G>C on transcript NM_001232.4 (MANE Select); coding-DNA position 1192, G replaced by C.
Protein change: p.Asp398His; replaces aspartic acid 398 with histidine.
Molecular consequence: missense variant.
Genome position (GRCh38, 1-based): chr1:115,701,249, C>G on the plus strand (G>C on the coding strand, the complement: CASQ2 is on the minus strand). VCF-style: chr1-115701249-C-G. GRCh37 (hg19) VCF-style: chr1-116243870-C-G.
Other names: short protein forms D398H.
Identifiers: ClinVar variation 3221458 (VCV003221458.2), dbSNP rs1654192683, ClinGen allele CA341766146.
Genomic context (GRCh38, chr1:115,701,249, plus strand): 5'-TATGGTAGTGGGTGCTGTGATTTTGTTTTCATCAGAATTGTTTGGAGTTGGGCTATTCAT[C>G]ATCATCGTCATCACTGTCATCATTATCCTCTTCATCAGAATTATCATCATCATCATCATC-3'
Protein context (NP_001223.2, residues 388-399): EDNDDSDDDD[Asp398His]E